The following is an entry in ClinVar:

ClinVar aggregate classification (germline): Likely benign. Review status: criteria provided, multiple submitters, no conflicts (2 of 4 stars). 2 submissions from 2 submitters: Likely benign (2). Last evaluated 2025-11-23.

gnomAD v4.1: 935 of 1,614,234 alleles (0.058%); highest among the groups gnomAD compares: Middle Eastern, 0.2%; no homozygotes.

Submissions (2):

Labcorp Genetics (formerly Invitae), Labcorp
Classification: Likely benign. Last evaluated: 2025-11-23. Review status: criteria provided, single submitter. Criteria: Invitae Variant Classification Sherloc (09022015). Collection method: clinical testing. Allele origin: germline.

CeGaT Center for Human Genetics Tuebingen
Classification: Likely benign. Last evaluated: 2025-06-01. Review status: criteria provided, single submitter. Criteria: CeGaT Center For Human Genetics Tuebingen Variant Classification Criteria Version 2. Collection method: clinical testing. Allele origin: germline. Affected: yes. Observed: 1 variant allele.
Comment: KRT3: BP4, BP7

NM_057088.3(KRT3):c.1437G>A (p.Ala479=)

Genes: KRT3 (keratin 3; minus strand), LOC126861527 (BRD4-independent group 4 enhancer GRCh37_chr12:53184490-53185689; plus strand). Cytogenetic location: 12q13.13.
Variant type: single nucleotide variant.
Coding change: c.1437G>A on transcript NM_057088.3 (MANE Select); coding-DNA position 1437, G replaced by A.
Protein change: p.Ala479=; no amino-acid change (alanine 479 retained).
Molecular consequence: synonymous variant.
Genome position (GRCh38, 1-based): chr12:52,791,304, C>T on the plus strand (G>A on the coding strand, the complement: KRT3 is on the minus strand). VCF-style: chr12-52791304-C-T. GRCh37 (hg19) VCF-style: chr12-53185088-C-T.
Identifiers: ClinVar variation 3707643 (VCV003707643.12).
Genomic context (GRCh38, chr12:52,791,304, plus strand): 5'-GATCTCCACGTCCAGGGCCAGCTTGACATTCATCAGCTCCTGGTAGTCACGTAGCAGCCG[C>T]GCCAGGTCATCCTTCGCCTGCTGTAGAGCAGCCTGCAGCTCTTGGAGCTTGGCATTGGCA-3'
Protein context (NP_476429.2, residues 469-489): AALQQAKDDL[Ala479=]RLLRDYQELM